The following is an entry in ClinVar:

ClinVar aggregate classification (germline): Uncertain significance. Review status: criteria provided, single submitter (1 of 4 stars). 2 submissions from 2 submitters: Uncertain significance (1). 1 of the submissions does not count toward it. Last evaluated 2021-09-01.

Conditions:
Mitochondrial trifunctional protein deficiency. Identifiers: Orphanet 746, MedGen C1969443, MONDO:0012172.
Long chain 3-hydroxyacyl-CoA dehydrogenase deficiency. Also called: LCHAD Deficiency; Deficiency of long-chain 3-hydroxyacyl-coenzyme A dehydrogenase. Identifiers: Orphanet 5, MedGen C3711645, MONDO:0012173, OMIM 609016.

Allele frequency attached by ClinVar (database versions not stated): gnomAD 0.00001; TOPMed 0.00002.
gnomAD v4.1: 2 of 1,607,512 alleles (0.00012%); highest among the groups gnomAD compares: African/African-American, 0.0027%; no homozygotes.

Submissions (2):

Labcorp Genetics (formerly Invitae), Labcorp
Classification: Uncertain significance for Mitochondrial trifunctional protein deficiency; Long chain 3-hydroxyacyl-CoA dehydrogenase deficiency. Last evaluated: 2021-09-01. Review status: criteria provided, single submitter. Criteria: Invitae Variant Classification Sherloc (09022015). Collection method: clinical testing. Allele origin: germline.
Comment: This sequence change replaces alanine with threonine at codon 81 of the HADHA protein (p.Ala81Thr). The alanine residue is moderately conserved and there is a small physicochemical difference between alanine and threonine. This variant is not present in population databases (ExAC no frequency). This variant has not been reported in the literature in individuals affected with HADHA-related conditions. Algorithms developed to predict the effect of missense changes on protein structure and function output the following: SIFT: "Tolerated"; PolyPhen-2: "Benign"; Align-GVGD: "Class C0". The threonine amino acid residue is found in multiple mammalian species, which suggests that this missense change does not adversely affect protein function. In summary, the available evidence is currently insufficient to determine the role of this variant in disease. Therefore, it has been classified as a Variant of Uncertain Significance.

Natera, Inc.
Classification: Uncertain significance for Deficiency of long-chain 3-hydroxyacyl-coenzyme A dehydrogenase. Last evaluated: 2020-08-11. Review status: no assertion criteria provided. Collection method: clinical testing. Allele origin: germline. Not counted in ClinVar's aggregate classification.

NM_000182.5(HADHA):c.241G>A (p.Ala81Thr)

Gene: HADHA (hydroxyacyl-CoA dehydrogenase trifunctional multienzyme complex subunit alpha; minus strand). Cytogenetic location: 2p23.3.
Variant type: single nucleotide variant.
Coding change: c.241G>A on transcript NM_000182.5 (MANE Select); coding-DNA position 241, G replaced by A.
Protein change: p.Ala81Thr; replaces alanine 81 with threonine.
Molecular consequence: missense variant.
Genome position (GRCh38, 1-based): chr2:26,236,928, C>T on the plus strand (G>A on the coding strand, the complement: HADHA is on the minus strand). VCF-style: chr2-26236928-C-T. GRCh37 (hg19) VCF-style: chr2-26459796-C-T.
Other names: short protein forms A81T.
Identifiers: ClinVar variation 1054273 (VCV001054273.7), dbSNP rs1281408938, ClinGen allele CA346094416.
Genomic context (GRCh38, chr2:26,236,928, plus strand): 5'-CTGCAATAAAGCAGCCTGGCTTTGATGAGATAAGGACGGCACTTCTGATTTGATCACTAG[C>T]CCAGATTTCATTCATAACTTCTGAGAACTCTGAATGTAGCTCTTTACTCAGTGTATTTAC-3'
Protein context (NP_000173.2, residues 71-91): EFSEVMNEIW[Ala81Thr]SDQIRSAVLI